The following is an entry in ClinVar:

ClinVar aggregate classification (germline): Benign. Review status: criteria provided, multiple submitters, no conflicts (2 of 4 stars). 13 submissions from 10 submitters: Benign (12). 1 of the submissions does not count toward it. Last evaluated 2026-02-02.

Conditions:
RET-related disorder. Also called: RET-related condition; RET-related disease; RET-related disorders.
Multiple endocrine neoplasia type 2A. Also called: MULTIPLE ENDOCRINE NEOPLASIA, TYPE IIA; PTC SYNDROME; SIPPLE SYNDROME; MEN 2A; MEN-2A syndrome; Pheochromocytoma and amyloid producing medullary thyroid carcinoma. Identifiers: Orphanet 247698, Orphanet 653, MedGen C0025268, MeSH D018813, MONDO:0008234, OMIM 171400.
Multiple endocrine neoplasia type 2B. Also called: MEN 2B; MEN IIB; NEUROMATA, MUCOSAL, WITH ENDOCRINE TUMORS; MUCOSAL NEUROMA SYNDROME; WAGENMANN-FROBOESE SYNDROME; MULTIPLE ENDOCRINE NEOPLASIA, TYPE III. Identifiers: Orphanet 247709, Orphanet 653, MedGen C0025269, MeSH D018814, MONDO:0008082, OMIM 162300.
Hereditary cancer-predisposing syndrome. Also called: Tumor predisposition; Neoplastic Syndromes, Hereditary; Hereditary neoplastic syndrome; Hereditary Cancer Syndrome. Identifiers: Orphanet 140162, MedGen C0027672, MeSH D009386, MONDO:0015356.
Multiple endocrine neoplasia, type 2 (MEN2). Identifiers: Orphanet 653, MedGen C4048306, MONDO:0019003. Disease mechanism: gain of function.
Pheochromocytoma. Also called: MAX-Related Hereditary Paraganglioma-Pheochromocytoma Syndrome. Identifiers: Orphanet 29072, MedGen C0031511, MONDO:0008233, OMIM 171300, HP:0002666.

Allele frequency attached by ClinVar (database versions not stated): 1000 Genomes Project 0.75499; 1000 Genomes Project 30x 0.77014; gnomAD exomes 0.79051 and 0.81264; ExAC 0.80309; gnomAD 0.83049 and 0.84041; TOPMed 0.83635; ESP Exome Variant Server 0.85333.
gnomAD v4.1: 1,306,970 of 1,605,984 alleles (81%); highest among the groups gnomAD compares: African/African-American, 91%; 535,503 homozygotes.

Submissions (13):

Labcorp Genetics (formerly Invitae), Labcorp
Classification: Benign for Multiple endocrine neoplasia, type 2. Last evaluated: 2026-02-02. Review status: criteria provided, single submitter. Criteria: Invitae Variant Classification Sherloc (09022015). Collection method: clinical testing. Allele origin: germline.

GeneKor MSA
Classification: Benign for Hereditary cancer-predisposing syndrome. Last evaluated: 2025-07-10. Review status: criteria provided, single submitter. Criteria: ACMG Guidelines, 2015. Collection method: clinical testing. Allele origin: germline.

KCCC/NGS Laboratory, Kuwait Cancer Control Center
Classification: Benign for Pheochromocytoma. Last evaluated: 2025-02-01. Review status: criteria provided, single submitter. Criteria: ACMG Guidelines, 2015. Collection method: clinical testing. Allele origin: germline. Affected: no.

Hereditary Cancer Laboratory, Hospital Universitario 12 de Octubre
Classification: Benign for Hereditary cancer-predisposing syndrome. Last evaluated: 2025-01-01. Review status: criteria provided, single submitter. Criteria: ACMG Guidelines, 2015. Collection method: clinical testing. Allele origin: germline.
Comment: BA1

Blueprint Genetics
Classification: Benign. Last evaluated: 2024-11-27. Review status: criteria provided, single submitter. Criteria: ACMG Guidelines, 2015. Collection method: clinical testing. Allele origin: germline.

KCCC/NGS Laboratory, Kuwait Cancer Control Center
Classification: Benign for Multiple endocrine neoplasia type 2B. Last evaluated: 2023-07-07. Review status: criteria provided, single submitter. Criteria: ACMG Guidelines, 2015. Collection method: clinical testing. Allele origin: germline. Affected: yes.

Genome-Nilou Lab
Classification: Benign for Multiple endocrine neoplasia type 2A. Last evaluated: 2021-11-07. Review status: criteria provided, single submitter. Criteria: ACMG Guidelines, 2015. Collection method: clinical testing. Allele origin: germline. Affected: no.

Genome-Nilou Lab
Classification: Benign for Multiple endocrine neoplasia type 2B. Last evaluated: 2021-11-07. Review status: criteria provided, single submitter. Criteria: ACMG Guidelines, 2015. Collection method: clinical testing. Allele origin: germline. Affected: no.

Genome-Nilou Lab
Classification: Benign for Pheochromocytoma. Last evaluated: 2021-11-07. Review status: criteria provided, single submitter. Criteria: ACMG Guidelines, 2015. Collection method: clinical testing. Allele origin: germline. Affected: no.

Genetics and Molecular Pathology, SA Pathology
Classification: Benign for Multiple endocrine neoplasia, type 2. Last evaluated: 2019-08-06. Review status: criteria provided, single submitter. Criteria: ACMG Guidelines, 2015. Collection method: clinical testing. Allele origin: germline. Inheritance: Autosomal dominant inheritance. Affected: yes.

Laboratory for Molecular Medicine, Mass General Brigham Personalized Medicine
Classification: Benign. Last evaluated: 2013-06-11. Review status: criteria provided, single submitter. Criteria: LMM Criteria. Collection method: clinical testing. Allele origin: germline. Observed: 91 variant alleles.
Comment: This is the major allele (-C).

Breakthrough Genomics
Classification: Benign. Review status: criteria provided, single submitter. Criteria: ACMG Guidelines, 2015. Collection method: not provided. Allele origin: germline. Inheritance: Autosomal dominant inheritance. Affected: yes.

PreventionGenetics, part of Exact Sciences
Classification: Benign for RET-related condition. Last evaluated: 2022-01-07. Review status: no assertion criteria provided. Collection method: clinical testing. Allele origin: germline. Not counted in ClinVar's aggregate classification.
Comment: This variant is classified as benign based on ACMG/AMP sequence variant interpretation guidelines (Richards et al. 2015 PMID: 25741868, with internal and published modifications).

NM_020975.6(RET):c.3187+47T>C

Gene: RET (ret proto-oncogene; plus strand). Cytogenetic location: 10q11.21.
Variant type: single nucleotide variant.
Coding change: c.3187+47T>C on transcript NM_020975.6 (MANE Select); 47 bases into the intron after coding-DNA position 3187, T replaced by C.
Molecular consequence: intron variant.
Genome position (GRCh38, 1-based): chr10:43,126,769, T>C. VCF-style: chr10-43126769-T-C. GRCh37 (hg19) VCF-style: chr10-43622217-T-C.
Other names: c.*15T>C (NM_001355216.2, NM_001406764.1, NM_001406765.1 and 15 more transcripts); c.3187+47T>C (NM_020975.5).
Identifiers: ClinVar variation 165056 (VCV000165056.26), dbSNP rs2075912, ClinGen allele CA007687.
Genomic context (GRCh38, chr10:43,126,769, plus strand): 5'-AAACAAACTCTATGGTAGAATTTCCCATGCATTTACTAGATTCTAGCACCGCTGTCCCCT[T>C]TGCACTATCCTTCCTCTCTGTGATGCTTTTTAAAAATGTTTCTGGTCTGAACAAAACCAA-3'